The following is an entry in ClinVar:

ClinVar aggregate classification (germline): Uncertain significance (1 of 4 stars; one submission).

Conditions:
Inborn genetic diseases. Identifiers: MedGen C0950123, MeSH D030342.

gnomAD v4.1: 2 of 1,612,692 alleles (0.00012%); highest among the groups gnomAD compares: Non-Finnish European, 0.00017%; no homozygotes.

Submission:

Ambry Genetics
Classification: Uncertain significance for Inborn genetic diseases. Last evaluated: 2024-12-06. Review status: criteria provided, single submitter. Criteria: Ambry Variant Classification Scheme 2023. Collection method: clinical testing. Allele origin: germline.
Comment: The p.E278D variant (also known as c.834G>T), located in coding exon 9 of the DDX41 gene, results from a G to T substitution at nucleotide position 834. The glutamic acid at codon 278 is replaced by aspartic acid, an amino acid with highly similar properties. This alteration was identified in an individual diagnosed with myelodysplastic syndrome (MDS) (Makishima H et al. Blood, 2023 Feb;141:534-549). This amino acid position is highly conserved in available vertebrate species. In addition, this alteration is predicted to be tolerated by in silico analysis. Based on the available evidence, the clinical significance of this variant remains unclear.

Literature cited by the submitters: PubMed 36322930.

NM_016222.4(DDX41):c.834G>T (p.Glu278Asp)

Gene: DDX41 (DEAD-box helicase 41; minus strand). Cytogenetic location: 5q35.3.
Variant type: single nucleotide variant.
Coding change: c.834G>T on transcript NM_016222.4 (MANE Select); coding-DNA position 834, G replaced by T.
Protein change: p.Glu278Asp; replaces glutamic acid 278 with aspartic acid.
Molecular consequence: missense variant.
Genome position (GRCh38, 1-based): chr5:177,514,802, C>A on the plus strand (G>T on the coding strand, the complement: DDX41 is on the minus strand). VCF-style: chr5-177514802-C-A. GRCh37 (hg19) VCF-style: chr5-176941803-C-A.
Other names: c.456G>T, p.Glu152Asp (NM_001321732.2, NM_001321830.2); short protein forms E152D, E278D.
Identifiers: ClinVar variation 3500528 (VCV003500528.1).